The following is an entry in ClinVar:

ClinVar aggregate classification (germline): Likely benign (1 of 4 stars; one submission).

Allele frequency attached by ClinVar (database versions not stated): 1000 Genomes Project 0.00060; 1000 Genomes Project 30x 0.00062; gnomAD exomes 0.00145; gnomAD 0.00147; ExAC 0.00153; ESP Exome Variant Server 0.00161.
gnomAD v4.1: 2,313 of 1,612,978 alleles (0.14%); highest among the groups gnomAD compares: Non-Finnish European, 0.15%; 5 homozygotes.

Submission:

CeGaT Center for Human Genetics Tuebingen
Classification: Likely benign. Last evaluated: 2022-10-01. Review status: criteria provided, single submitter. Criteria: CeGaT Center For Human Genetics Tuebingen Variant Classification Criteria Version 2. Collection method: clinical testing. Allele origin: germline. Affected: yes. Observed: 1 variant allele.
Comment: DDX51: BP4, BP7

NM_175066.4(DDX51):c.1515G>A (p.Ser505=)

Gene: DDX51 (DEAD-box helicase 51; minus strand). Cytogenetic location: 12q24.33.
Variant type: single nucleotide variant.
Coding change: c.1515G>A on transcript NM_175066.4 (MANE Select); coding-DNA position 1515, G replaced by A.
Protein change: p.Ser505=; no amino-acid change (serine 505 retained).
Molecular consequence: synonymous variant.
Genome position (GRCh38, 1-based): chr12:132,140,661, C>T on the plus strand (G>A on the coding strand, the complement: DDX51 is on the minus strand). VCF-style: chr12-132140661-C-T. GRCh37 (hg19) VCF-style: chr12-132625206-C-T.
Identifiers: ClinVar variation 2643631 (VCV002643631.24), dbSNP rs137859936, ClinGen allele CA6888128.